The following is an entry in ClinVar:

NM_001035.3(RYR2):c.3796G>A (p.Glu1266Lys)

Genes: RYR2 (ryanodine receptor 2; plus strand), LOC126806067 (BRD4-independent group 4 enhancer GRCh37_chr1:237753258-237754457; plus strand). Cytogenetic location: 1q43.
Variant type: single nucleotide variant.
Coding change: c.3796G>A on transcript NM_001035.3 (MANE Select); coding-DNA position 3796, G replaced by A.
Protein change: p.Glu1266Lys; replaces glutamic acid 1266 with lysine.
Molecular consequence: missense variant.
Genome position (GRCh38, 1-based): chr1:237,589,990, G>A. VCF-style: chr1-237589990-G-A. GRCh37 (hg19) VCF-style: chr1-237753290-G-A.
Other names: short protein forms E1266K.
Identifiers: ClinVar variation 3894422 (VCV003894422.2).

ClinVar aggregate classification (germline): Uncertain significance. Review status: criteria provided, multiple submitters, no conflicts (2 of 4 stars). 2 submissions from 2 submitters: Uncertain significance (2). Last evaluated 2025-11-18.

Conditions:
Cardiomyopathy (CMYO). Also called: Cardiomyopathies. Identifiers: Orphanet 167848, MedGen C0878544, MONDO:0004994, HP:0001638. Inheritance: Various modes of inheritance.
Catecholaminergic polymorphic ventricular tachycardia 1. Also called: VENTRICULAR TACHYCARDIA, STRESS-INDUCED POLYMORPHIC 1; VENTRICULAR TACHYCARDIA, CATECHOLAMINERGIC POLYMORPHIC, 1, WITH OR WITHOUT ATRIAL DYSFUNCTION AND/OR DILATED CARDIOMYOPATHY; RYR2-Related Catecholaminergic Polymorphic Ventricular Tachycardia. Identifiers: Orphanet 3286, MedGen C1631597, MONDO:0011484, OMIM 604772.

Submissions (2):

Labcorp Genetics (formerly Invitae), Labcorp
Classification: Uncertain significance for Catecholaminergic polymorphic ventricular tachycardia 1. Last evaluated: 2025-11-18. Review status: criteria provided, single submitter. Criteria: Invitae Variant Classification Sherloc (09022015). Collection method: clinical testing. Allele origin: germline.
Comment: This sequence change replaces glutamic acid, which is acidic and polar, with lysine, which is basic and polar, at codon 1266 of the RYR2 protein (p.Glu1266Lys). This variant is not present in population databases (gnomAD no frequency). This variant has not been reported in the literature in individuals affected with RYR2-related conditions. ClinVar contains an entry for this variant (Variation ID: 3894422). Invitae Evidence Modeling of protein sequence and biophysical properties (such as structural, functional, and spatial information, amino acid conservation, physicochemical variation, residue mobility, and thermodynamic stability) indicates that this missense variant is not expected to disrupt RYR2 protein function with a negative predictive value of 95%. In summary, the available evidence is currently insufficient to determine the role of this variant in disease. Therefore, it has been classified as a Variant of Uncertain Significance.

Color Diagnostics, LLC DBA Color Health
Classification: Uncertain significance for Cardiomyopathy. Last evaluated: 2024-03-06. Review status: criteria provided, single submitter. Criteria: ACMG Guidelines, 2015. Collection method: clinical testing. Allele origin: germline.
Comment: This missense variant replaces glutamic acid with lysine at codon 1266 of the RYR2 protein. Computational prediction suggests that this variant may not impact protein structure and function (internally defined REVEL score threshold <= 0.5, PMID: 27666373). To our knowledge, functional studies have not been reported for this variant. This variant has not been reported in individuals affected with RYR2-related disorders in the literature. This variant has not been identified in the general population by the Genome Aggregation Database (gnomAD). The available evidence is insufficient to determine the role of this variant in disease conclusively. Therefore, this variant is classified as a Variant of Uncertain Significance.